The following is an entry in ClinVar:

ClinVar aggregate classification (germline): Likely benign (1 of 4 stars; one submission).

Allele frequency attached by ClinVar (database versions not stated): 1000 Genomes Project 30x 0.00515; gnomAD 0.00868 and 0.00877; TOPMed 0.00822; gnomAD exomes 0.01086; 1000 Genomes Project 0.00459.

Submission:

GeneDx
Classification: Likely benign. Last evaluated: 2018-06-19. Review status: criteria provided, single submitter. Criteria: GeneDx Variant Classification (06012015). Collection method: clinical testing. Allele origin: germline. Affected: yes.
Comment: This variant is considered likely benign or benign based on one or more of the following criteria: it is a conservative change, it occurs at a poorly conserved position in the protein, it is predicted to be benign by multiple in silico algorithms, and/or has population frequency not consistent with disease.

NM_004333.4(BRAF):c.-295G>A

Gene: BRAF (B-Raf proto-oncogene, serine/threonine kinase; minus strand). Cytogenetic location: 7q34.
Variant type: single nucleotide variant.
Coding change: c.-295G>A on transcript NM_004333.4; 295 bases upstream of the start codon, G replaced by A.
Genome position (GRCh38, 1-based): chr7:140,924,998, C>T on the plus strand (G>A on the coding strand, the complement: BRAF is on the minus strand). VCF-style: chr7-140924998-C-T. GRCh37 (hg19) VCF-style: chr7-140624798-C-T.
Identifiers: ClinVar variation 561442 (VCV000561442.3), dbSNP rs71645931, ClinGen allele CA168218999.